The following is an entry in ClinVar:

NM_001004127.3(ALG11):c.494T>C (p.Met165Thr)

Gene: ALG11 (ALG11 alpha-1,2-mannosyltransferase; plus strand). Cytogenetic location: 13q14.3.
Variant type: single nucleotide variant.
Coding change: c.494T>C on transcript NM_001004127.3 (MANE Select); coding-DNA position 494, T replaced by C.
Protein change: p.Met165Thr; replaces methionine 165 with threonine.
Molecular consequence: missense variant.
Genome position (GRCh38, 1-based): chr13:52,024,224, T>C. VCF-style: chr13-52024224-T-C. GRCh37 (hg19) VCF-style: chr13-52598360-T-C.
Other names: short protein forms M165T.
Identifiers: ClinVar variation 2117617 (VCV002117617.4), dbSNP rs750618338, ClinGen allele CA388013284.
Genomic context (GRCh38, chr13:52,024,224, plus strand): 5'-CTCACTTCACACTGCTGGGCCAAAGTCTAGGATCCATTTTTCTTGGCTGGGAAGCTCTAA[T>C]GCAGTGTGTTCCTGATGTTTACATTGATTCAATGGGATACGCTTTTACGCTTCCTCTGTT-3'
Protein context (NP_001004127.2, residues 155-175): GSIFLGWEAL[Met165Thr]QCVPDVYIDS

ClinVar aggregate classification (germline): Uncertain significance (1 of 4 stars; one submission).

Conditions:
ALG11-congenital disorder of glycosylation. Also called: CONGENITAL DISORDER OF GLYCOSYLATION, TYPE Ip; ALG11-CDG. Identifiers: Orphanet 280071, MedGen C3150913, MONDO:0013349, OMIM 613661.

Submission:

Labcorp Genetics (formerly Invitae), Labcorp
Classification: Uncertain significance for ALG11-congenital disorder of glycosylation. Last evaluated: 2023-09-20. Review status: criteria provided, single submitter. Criteria: Invitae Variant Classification Sherloc (09022015). Collection method: clinical testing. Allele origin: germline.
Comment: This sequence change replaces methionine, which is neutral and non-polar, with threonine, which is neutral and polar, at codon 165 of the ALG11 protein (p.Met165Thr). In summary, the available evidence is currently insufficient to determine the role of this variant in disease. Therefore, it has been classified as a Variant of Uncertain Significance. Advanced modeling of protein sequence and biophysical properties (such as structural, functional, and spatial information, amino acid conservation, physicochemical variation, residue mobility, and thermodynamic stability) performed at Invitae indicates that this missense variant is not expected to disrupt ALG11 protein function. ClinVar contains an entry for this variant (Variation ID: 2117617). This variant has not been reported in the literature in individuals affected with ALG11-related conditions. This variant is not present in population databases (gnomAD no frequency).